The following is an entry in ClinVar:

ClinVar aggregate classification (germline): Uncertain significance (1 of 4 stars; one submission).

Allele frequency attached by ClinVar (database versions not stated): gnomAD 0.00001; gnomAD exomes 0.00002; TOPMed 0.00002; ExAC 0.00006.
gnomAD v4.1: 27 of 1,612,686 alleles (0.0017%); highest among the groups gnomAD compares: South Asian, 0.012%; no homozygotes.

Submission:

CeGaT Center for Human Genetics Tuebingen
Classification: Uncertain significance. Last evaluated: 2024-01-01. Review status: criteria provided, single submitter. Criteria: CeGaT Center For Human Genetics Tuebingen Variant Classification Criteria Version 2. Collection method: clinical testing. Allele origin: germline. Affected: yes. Observed: 1 variant allele.
Comment: DARS2: PM2, BP4

NM_018122.5(DARS2):c.296C>T (p.Ser99Leu)

Gene: DARS2 (aspartyl-tRNA synthetase 2, mitochondrial; plus strand). Cytogenetic location: 1q25.1.
Variant type: single nucleotide variant.
Coding change: c.296C>T on transcript NM_018122.5 (MANE Select); coding-DNA position 296, C replaced by T.
Protein change: p.Ser99Leu; replaces serine 99 with leucine.
Molecular consequence: missense variant.
Genome position (GRCh38, 1-based): chr1:173,830,661, C>T. VCF-style: chr1-173830661-C-T. GRCh37 (hg19) VCF-style: chr1-173799799-C-T.
Other names: c.296C>T, p.Ser99Leu (NM_001365212.1, NM_001365213.2); short protein forms S99L.
Identifiers: ClinVar variation 3026492 (VCV003026492.22), dbSNP rs751581961, ClinGen allele CA1250101.
Genomic context (GRCh38, chr1:173,830,661, plus strand): 5'-ACTGAAGATTCCTGTAAGTTCATTTGTTTCTCAGAACTCTTTTCCCCCTTGTTCTGTAGT[C>T]GGCAGCCTCTGTGAAGAAGATTTTATGTGAAGCCCCTGTGGAATCTGTGGTGCAAGTGTC-3'
Protein context (NP_060592.2, residues 89-109): LVQVIIPQDE[Ser99Leu]AASVKKILCE